The following is an entry in ClinVar:

ClinVar aggregate classification (germline): Uncertain significance. Review status: criteria provided, multiple submitters, no conflicts (2 of 4 stars). 2 submissions from 2 submitters: Uncertain significance (2). Last evaluated 2024-04-15.

Allele frequency attached by ClinVar (database versions not stated): gnomAD exomes below 0.00001; gnomAD 0.00001.
gnomAD v4.1: 5 of 1,614,098 alleles (0.00031%); highest among the groups gnomAD compares: Non-Finnish European, 0.00034%; no homozygotes.

Submissions (2):

Blueprint Genetics
Classification: Uncertain significance. Last evaluated: 2024-04-15. Review status: criteria provided, single submitter. Criteria: ACMG Guidelines, 2015. Collection method: clinical testing. Allele origin: germline.

Labcorp Genetics (formerly Invitae), Labcorp
Classification: Uncertain significance. Last evaluated: 2024-04-07. Review status: criteria provided, single submitter. Criteria: Invitae Variant Classification Sherloc (09022015). Collection method: clinical testing. Allele origin: germline.
Comment: This sequence change replaces isoleucine, which is neutral and non-polar, with valine, which is neutral and non-polar, at codon 7 of the TUBB1 protein (p.Ile7Val). This variant is present in population databases (no rsID available, gnomAD 0.007%). This variant has not been reported in the literature in individuals affected with TUBB1-related conditions. Advanced modeling of protein sequence and biophysical properties (such as structural, functional, and spatial information, amino acid conservation, physicochemical variation, residue mobility, and thermodynamic stability) performed at Invitae indicates that this missense variant is not expected to disrupt TUBB1 protein function with a negative predictive value of 80%. In summary, the available evidence is currently insufficient to determine the role of this variant in disease. Therefore, it has been classified as a Variant of Uncertain Significance.

NM_030773.4(TUBB1):c.19A>G (p.Ile7Val)

Gene: TUBB1 (tubulin beta 1 class VI; plus strand). Cytogenetic location: 20q13.32.
Variant type: single nucleotide variant.
Coding change: c.19A>G on transcript NM_030773.4 (MANE Select); coding-DNA position 19, A replaced by G.
Protein change: p.Ile7Val; replaces isoleucine 7 with valine.
Molecular consequence: missense variant.
Genome position (GRCh38, 1-based): chr20:59,019,541, A>G. VCF-style: chr20-59019541-A-G. GRCh37 (hg19) VCF-style: chr20-57594596-A-G.
Other names: short protein forms I7V.
Identifiers: ClinVar variation 3004504 (VCV003004504.4), dbSNP rs1184598369, ClinGen allele CA409465699.